The following is an entry in ClinVar:

ClinVar aggregate classification (germline): Benign (0 of 4 stars; one submission).

Conditions:
PRRC2A-related disorder. Also called: PRRC2A-related condition.

Allele frequency attached by ClinVar (database versions not stated): ESP Exome Variant Server 0.00024; gnomAD exomes 0.00151; gnomAD 0.00237; 1000 Genomes Project 0.00339; 1000 Genomes Project 30x 0.00390; TOPMed 0.00498; ExAC 0.00667.
gnomAD v4.1: 2,553 of 1,610,256 alleles (0.16%); highest among the groups gnomAD compares: Admixed American, 3.9%; 71 homozygotes.

Submission:

PreventionGenetics, part of Exact Sciences
Classification: Benign for PRRC2A-related condition. Last evaluated: 2020-02-07. Review status: no assertion criteria provided. Collection method: clinical testing. Allele origin: germline.
Comment: This variant is classified as benign based on ACMG/AMP sequence variant interpretation guidelines (Richards et al. 2015 PMID: 25741868, with internal and published modifications).

NM_004638.4(PRRC2A):c.2811C>G (p.Ile937Met)

Gene: PRRC2A (proline rich coiled-coil 2A; plus strand). Cytogenetic location: 6p21.33.
Variant type: single nucleotide variant.
Coding change: c.2811C>G on transcript NM_004638.4 (MANE Select); coding-DNA position 2811, C replaced by G.
Protein change: p.Ile937Met; replaces isoleucine 937 with methionine.
Molecular consequence: missense variant.
Genome position (GRCh38, 1-based): chr6:31,631,484, C>G. VCF-style: chr6-31631484-C-G. GRCh37 (hg19) VCF-style: chr6-31599261-C-G.
Other names: c.2811C>G, p.Ile937Met (NM_080686.3); short protein forms I937M.
Identifiers: ClinVar variation 3039272 (VCV003039272.2), dbSNP rs12526375, ClinGen allele CA3715770.
Genomic context (GRCh38, chr6:31,631,484, plus strand): 5'-CAGAGAGAGTCGCACAGAGACCCGCTGGGGCCCTCGTCCAGGGAGCAGTCGTCGTGGAAT[C>G]CCTCCAGAGGAGCCAGGGGCCCCACCCCGCCGGGCTGGGCCTATAAAGAAACCTCCACCA-3'
Protein context (NP_004629.3, residues 927-947): GPRPGSSRRG[Ile937Met]PPEEPGAPPR